The following is an entry in ClinVar:

NM_005998.5(CCT3):c.228G>A (p.Ala76=)

Gene: CCT3 (chaperonin containing TCP1 subunit 3; minus strand). Cytogenetic location: 1q22.
Variant type: single nucleotide variant.
Coding change: c.228G>A on transcript NM_005998.5 (MANE Select); coding-DNA position 228, G replaced by A.
Protein change: p.Ala76=; no amino-acid change (alanine 76 retained).
Molecular consequence: synonymous variant. On other transcripts: non-coding transcript variant (2).
Genome position (GRCh38, 1-based): chr1:156,333,623, C>T on the plus strand (G>A on the coding strand, the complement: CCT3 is on the minus strand). VCF-style: chr1-156333623-C-T. GRCh37 (hg19) VCF-style: chr1-156303414-C-T.
Other names: c.114G>A, p.Ala38= (NM_001008800.3).
Identifiers: ClinVar variation 4084123 (VCV004084123.8).

ClinVar aggregate classification (germline): Likely benign (1 of 4 stars; one submission).

gnomAD v4.1: 33 of 1,613,806 alleles (0.002%); highest among the groups gnomAD compares: East Asian, 0.0067%; no homozygotes.

Submission:

CeGaT Center for Human Genetics Tuebingen
Classification: Likely benign. Last evaluated: 2025-08-01. Review status: criteria provided, single submitter. Criteria: CeGaT Center For Human Genetics Tuebingen Variant Classification Criteria Version 2. Collection method: clinical testing. Allele origin: germline. Affected: yes. Observed: 1 variant allele.
Comment: CCT3: BP4, BP7